The following is an entry in ClinVar:

ClinVar aggregate classification (germline): Conflicting classifications of pathogenicity. Review status: criteria provided, conflicting classifications (1 of 4 stars). 11 submissions from 11 submitters: Likely pathogenic (1); Uncertain significance (9). 1 of the submissions does not count toward it. Last evaluated 2026-07-01.

Conditions:
Glycogen storage disease, type II (IOPD). Also called: POMPE DISEASE, INFANTILE-ONSET; GLYCOGEN STORAGE DISEASE II, INFANTILE-ONSET; ACID ALPHA-GLUCOSIDASE DEFICIENCY, INFANTILE-ONSET; GAA DEFICIENCY, INFANTILE-ONSET; ACID MALTASE DEFICIENCY, INFANTILE-ONSET; Glucosidase acid-1,4-alpha deficiency. Identifiers: Orphanet 365, MedGen C0017921, MONDO:0009290, OMIM 232300.

Allele frequency attached by ClinVar (database versions not stated): gnomAD 0.00003; TOPMed 0.00010.

Submissions (11):

Genomenon, Inc
Classification: Uncertain significance for Glycogen storage disease, type II. Last evaluated: 2026-07-01. Review status: criteria provided, single submitter. Criteria: Genomenon Sequence Variant Interpretation Standards - Updated. Collection method: curation. Allele origin: germline.
Comment: GAA p.Arg168Gln (c.503G>A) is a missense variant that changes the amino acid at codon 168 from Arginine to Glutamine. This variant has been reported in the compound heterozygous and/or homozygous state in at least one individual without a confirmed diagnosis of Pompe disease (PMID:24169249;25526786). In silico models predict that this variant is not damaging. In conclusion, we classify GAA p.Arg168Gln (c.503G>A) as a variant of uncertain significance.

Labcorp Genetics (formerly Invitae), Labcorp
Classification: Likely pathogenic for Glycogen storage disease, type II. Last evaluated: 2026-01-26. Review status: criteria provided, single submitter. Criteria: Invitae Variant Classification Sherloc (09022015). Collection method: clinical testing. Allele origin: germline.
Comment: This sequence change replaces arginine, which is basic and polar, with glutamine, which is neutral and polar, at codon 168 of the GAA protein (p.Arg168Gln). This variant is present in population databases (rs376685205, gnomAD 0.1%). This missense change has been observed in individuals with glycogen storage disease type II (PMID: 21488292, 24169249, 25526786, 31076647; internal data). ClinVar contains an entry for this variant (Variation ID: 325778). Invitae Evidence Modeling of protein sequence and biophysical properties (such as structural, functional, and spatial information, amino acid conservation, physicochemical variation, residue mobility, and thermodynamic stability) indicates that this missense variant is not expected to disrupt GAA protein function with a negative predictive value of 95%. Studies have shown that this missense change does not affect mRNA splicing (PMID: 31301153). This variant disrupts the p.Arg168 amino acid residue in GAA. Other variant(s) that disrupt this residue have been observed in individuals with GAA-related conditions (PMID: 25526786, 30155607), which suggests that this may be a clinically significant amino acid residue. In summary, the currently available evidence indicates that the variant is pathogenic, but additional data are needed to prove that conclusively. Therefore, this variant has been classified as Likely Pathogenic.

Mayo Clinic Laboratories, Mayo Clinic
Classification: Uncertain significance. Last evaluated: 2025-10-02. Review status: criteria provided, single submitter. Criteria: ACMG Guidelines, 2015. Collection method: clinical testing. Allele origin: germline. Observed: 2 variant alleles.
Comment: PM2_supporting, PM3

Women's Health and Genetics/Laboratory Corporation of America, LabCorp
Classification: Uncertain significance. Last evaluated: 2025-05-21. Review status: criteria provided, single submitter. Criteria: LabCorp Variant Classification Summary - May 2015. Collection method: clinical testing. Allele origin: germline.
Comment: Variant summary: GAA c.503G>A (p.Arg168Gln) results in a conservative amino acid change located in the galactose mutarotase, N-terminal barrel domain (IPR031727) of the encoded protein sequence. Algorithms developed to predict the effect of missense changes on protein structure and function all suggest that this variant is likely to be tolerated. The variant allele was found at a frequency of 0.00013 in 243198 control chromosomes, predominantly at a frequency of 0.0015 within the East Asian subpopulation in the gnomAD database. This frequency is not significantly higher than estimated for a pathogenic variant in GAA causing Glycogen Storage Disease, Type 2 (Pompe Disease) (0.00013 vs 0.0042), allowing no conclusion about variant significance. c.503G>A has been observed in individual(s) affected with Glycogen Storage Disease, Type 2 (Liu_2014). These data indicate that the variant may be associated with disease. The variant was reported to not affect splicing via in vitro functional assays (Goina_2019). ClinVar contains an entry for this variant (Variation ID: 325778). Based on the evidence outlined above, the variant was classified as VUS-possibly pathogenic.

GeneDx
Classification: Uncertain significance. Last evaluated: 2023-11-03. Review status: criteria provided, single submitter. Criteria: GeneDx Variant Classification Process June 2021. Collection method: clinical testing. Allele origin: germline. Affected: yes.
Comment: In silico analysis supports that this missense variant does not alter protein structure/function; This variant is associated with the following publications: (PMID: 21488292, 24169249, 31301153, 25526786)

Baylor Genetics
Classification: Uncertain significance for Glycogen storage disease, type II. Last evaluated: 2023-01-25. Review status: criteria provided, single submitter. Criteria: ACMG Guidelines, 2015. Collection method: clinical testing. Allele origin: unknown.

Genome-Nilou Lab
Classification: Uncertain significance for Glycogen storage disease, type II. Last evaluated: 2021-09-05. Review status: criteria provided, single submitter. Criteria: ACMG Guidelines, 2015. Collection method: clinical testing. Allele origin: germline. Affected: no.

Broad Center for Mendelian Genomics, Broad Institute of MIT and Harvard
Classification: Uncertain significance for Glycogen storage disease, type II. Last evaluated: 2020-01-22. Review status: criteria provided, single submitter. Criteria: ACMG Guidelines, 2015. Collection method: curation. Allele origin: germline. Inheritance: Autosomal recessive inheritance.
Comment: The heterozygous p.Arg168Gln variant in GAA has been reported in at least 3 Chinese individuals with Glycogen Storage Disease II (PMID: 25526786, 24169249). This variant has been reported as a VUS by Invitae and Illumina in ClinVar (Variation ID: 325778), and has been identified in 0.146% (29/19820) of East Asian chromosomes, 0.003% (1/30464) of South Asian chromosomes, and 0.003% (1/35330) of Latino chromosomes chromosomes by the Genome Aggregation Database (gnomAD; dbSNP rs376685205). Although this variant has been seen in the general population, its frequency is not high enough to rule out a pathogenic role. Computational prediction tools, including splice predictors, and conservation analyses suggest that this variant may not impact the protein, though this information is not predictive enough to rule out pathogenicity. The Arginine (Arg) at position 168 is not highly conserved in mammals and evolutionary distant species, and 19 species (including prairie vole, golden hamster, mouse, rat, panda, shrew, and zebrafish) carry a Glutamine (Gln), raising the possibility that this change at this position may be tolerated. Another VUS, p.Arg168Pro, at this position has been reported in association with Glycogen Storage Disease II in ClinVar and the literature (Variation ID: 639915; PMID: 25526786). This variant was reported in combination with a pathogenic variant and in 2 individuals with Glycogen Storage Disease II (PMID: 25526786). In summary, the clinical significance of this variant is uncertain. ACMG/AMP Criteria applied: BP4 (Richards 2015).

Stanford Center for Inherited Cardiovascular Disease, Stanford University
Classification: Uncertain significance. Last evaluated: 2017-08-02. Review status: criteria provided, single submitter. Criteria: ACMG Guidelines, 2015. Collection method: provider interpretation. Allele origin: germline.

Juno Genomics, Hangzhou Juno Genomics, Inc
Classification: Uncertain significance for Glycogen storage disease, type II. Review status: criteria provided, single submitter. Criteria: ACMG Guidelines, 2015. Collection method: clinical testing. Allele origin: germline.
Comment: Absent from controls (or at extremely low frequency if recessive) in Genome Aggregation Database.;For recessive disorders, detected in trans with a pathogenic variant.;Patient's phenotype or family history is highly specific for a disease with a single genetic etiology.

Natera, Inc.
Classification: Uncertain significance for Glycogen storage disease type II. Last evaluated: 2020-01-06. Review status: no assertion criteria provided. Collection method: clinical testing. Allele origin: germline. Not counted in ClinVar's aggregate classification.

Literature cited by the submitters: PubMed 24169249 (cited by 4 submitters); PubMed 25526786 (cited by 4 submitters); PubMed 21488292 (cited by 3 submitters); PubMed 31076647 (cited by Labcorp Genetics (formerly Invitae), Labcorp and Mayo Clinic Laboratories, Mayo Clinic); PubMed 31301153 (cited by 3 submitters); PubMed 30155607 (cited by Labcorp Genetics (formerly Invitae), Labcorp and Mayo Clinic Laboratories, Mayo Clinic); PubMed 37741878 (cited by Women's Health and Genetics/Laboratory Corporation of America, LabCorp).

NM_000152.5(GAA):c.503G>A (p.Arg168Gln)

Gene: GAA (alpha glucosidase; plus strand). Cytogenetic location: 17q25.3.
Variant type: single nucleotide variant.
Coding change: c.503G>A on transcript NM_000152.5 (MANE Select); coding-DNA position 503, G replaced by A.
Protein change: p.Arg168Gln; replaces arginine 168 with glutamine.
Molecular consequence: missense variant.
Genome position (GRCh38, 1-based): chr17:80,105,089, G>A. VCF-style: chr17-80105089-G-A. GRCh37 (hg19) VCF-style: chr17-78078888-G-A.
Other names: c.503G>A (LRG_673t1, NM_000152.4); c.503G>A, p.Arg168Gln (NM_001079803.3, NM_001079804.3); short protein forms R168Q.
Identifiers: ClinVar variation 325778 (VCV000325778.26), dbSNP rs376685205, ClinGen allele CA8814884.
Genomic context (GRCh38, chr17:80,105,089, plus strand): 5'-ACACGGCCACCCTGACCCGTACCACCCCCACCTTCTTCCCCAAGGACATCCTGACCCTGC[G>A]GCTGGACGTGATGATGGAGACTGAGAACCGCCTCCACTTCACGGTGGGCAGGGCAGGGGC-3'
Protein context (NP_000143.2, residues 158-178): TFFPKDILTL[Arg168Gln]LDVMMETENR